The following is an entry in ClinVar:

ClinVar aggregate classification (germline): Uncertain significance. Review status: criteria provided, multiple submitters, no conflicts (2 of 4 stars). 2 submissions from 2 submitters: Uncertain significance (2). Last evaluated 2023-11-17.

Conditions:
ZNF513-related disorder. Also called: ZNF513-related condition.

Allele frequency attached by ClinVar (database versions not stated): ExAC 0.00001; gnomAD 0.00001; gnomAD exomes 0.00001; TOPMed 0.00003; ESP Exome Variant Server 0.00008.
gnomAD v4.1: 19 of 1,613,980 alleles (0.0012%); highest among the groups gnomAD compares: East Asian, 0.0067%; no homozygotes.

Submissions (2):

Ambry Genetics
Classification: Uncertain significance. Last evaluated: 2023-11-17. Review status: criteria provided, single submitter. Criteria: Ambry Variant Classification Scheme 2023. Collection method: clinical testing. Allele origin: germline.

PreventionGenetics, part of Exact Sciences
Classification: Uncertain significance for ZNF513-related condition. Last evaluated: 2023-01-03. Review status: criteria provided, single submitter. Criteria: ACMG Guidelines, 2015. Collection method: clinical testing. Allele origin: germline.
Comment: The ZNF513 c.1567C>T variant is predicted to result in the amino acid substitution p.Arg523Trp. To our knowledge, this variant has not been reported in the literature. This variant is reported in 0.011% of alleles in individuals of East Asian descent in gnomAD. At this time, the clinical significance of this variant is uncertain due to the absence of conclusive functional and genetic evidence.

NM_144631.6(ZNF513):c.1567C>T (p.Arg523Trp)

Gene: ZNF513 (zinc finger protein 513; minus strand). Cytogenetic location: 2p23.3.
Variant type: single nucleotide variant.
Coding change: c.1567C>T on transcript NM_144631.6 (MANE Select); coding-DNA position 1567, C replaced by T.
Protein change: p.Arg523Trp; replaces arginine 523 with tryptophan.
Molecular consequence: missense variant.
Genome position (GRCh38, 1-based): chr2:27,377,604, G>A on the plus strand (C>T on the coding strand, the complement: ZNF513 is on the minus strand). VCF-style: chr2-27377604-G-A. GRCh37 (hg19) VCF-style: chr2-27600471-G-A.
Other names: c.1381C>T, p.Arg461Trp (NM_001201459.2); short protein forms R461W, R523W.
Identifiers: ClinVar variation 2629910 (VCV002629910.2), dbSNP rs374112566, ClinGen allele CA1577776.